The following is an entry in ClinVar:

NM_001854.4(COL11A1):c.2603G>T (p.Gly868Val)

Gene: COL11A1 (collagen type XI alpha 1 chain; minus strand). Cytogenetic location: 1p21.1.
Variant type: single nucleotide variant.
Coding change: c.2603G>T on transcript NM_001854.4 (MANE Select); coding-DNA position 2603, G replaced by T.
Protein change: p.Gly868Val; replaces glycine 868 with valine.
Molecular consequence: missense variant. On other transcripts: non-coding transcript variant (1).
Genome position (GRCh38, 1-based): chr1:102,979,389, C>A on the plus strand (G>T on the coding strand, the complement: COL11A1 is on the minus strand). VCF-style: chr1-102979389-C-A. GRCh37 (hg19) VCF-style: chr1-103444945-C-A.
Other names: c.2486G>T, p.Gly829Val (NM_001190709.2); c.2639G>T, p.Gly880Val (NM_080629.3); c.2255G>T, p.Gly752Val (NM_080630.4); short protein forms G752V, G829V, G868V, G880V.
Identifiers: ClinVar variation 3390764 (VCV003390764.1).
Genomic context (GRCh38, chr1:102,979,389, plus strand): 5'-GTCCAGCTAAGAACACTTATATACATAGTTCAAAACATATTTATATATCATACCCGTGCA[C>A]CTTTCTCTCCATTGGCACCTGGAAACCCAGGGAATCCAGTGGAACCCTACAATAATAAAA-3'
Protein context (NP_001845.3, residues 858-878): PGFPGANGEK[Gly868Val]ARGVAGKPGP

ClinVar aggregate classification (germline): Uncertain significance (1 of 4 stars; one submission).

Submission:

GeneDx
Classification: Uncertain significance. Last evaluated: 2024-06-10. Review status: criteria provided, single submitter. Criteria: GeneDx Variant Classification Process June 2021. Collection method: clinical testing. Allele origin: germline. Affected: yes.
Comment: Not observed at significant frequency in large population cohorts (gnomAD); In silico analysis supports that this missense variant has a deleterious effect on protein structure/function; Has not been previously published as pathogenic or benign to our knowledge